The following is an entry in ClinVar:

ClinVar aggregate classification (germline): Likely benign. Review status: criteria provided, multiple submitters, no conflicts (2 of 4 stars). 2 submissions from 2 submitters: Likely benign (2). Last evaluated 2025-12-29.

Conditions:
UBR1-related disorder. Also called: UBR1-related condition.

Allele frequency attached by ClinVar (database versions not stated): ESP Exome Variant Server 0.00008; gnomAD exomes 0.00014 and 0.00027; ExAC 0.00017; gnomAD 0.00027 and 0.00029; TOPMed 0.00031.
gnomAD v4.1: 259 of 1,613,954 alleles (0.016%); highest among the groups gnomAD compares: Middle Eastern, 0.05%; 1 homozygote.

Submissions (2):

Labcorp Genetics (formerly Invitae), Labcorp
Classification: Likely benign. Last evaluated: 2025-12-29. Review status: criteria provided, single submitter. Criteria: Invitae Variant Classification Sherloc (09022015). Collection method: clinical testing. Allele origin: germline.

PreventionGenetics, part of Exact Sciences
Classification: Likely benign for UBR1-related condition. Last evaluated: 2024-12-16. Review status: criteria provided, single submitter. Criteria: ACMG Guidelines, 2015. Collection method: clinical testing. Allele origin: germline.
Comment: This variant is classified as likely benign based on ACMG/AMP sequence variant interpretation guidelines (Richards et al. 2015 PMID: 25741868, with internal and published modifications).

NM_174916.3(UBR1):c.2265T>C (p.Tyr755=)

Gene: UBR1 (ubiquitin protein ligase E3 component n-recognin 1; minus strand). Cytogenetic location: 15q15.2.
Variant type: single nucleotide variant.
Coding change: c.2265T>C on transcript NM_174916.3 (MANE Select); coding-DNA position 2265, T replaced by C.
Protein change: p.Tyr755=; no amino-acid change (tyrosine 755 retained).
Molecular consequence: synonymous variant.
Genome position (GRCh38, 1-based): chr15:43,030,058, A>G on the plus strand (T>C on the coding strand, the complement: UBR1 is on the minus strand). VCF-style: chr15-43030058-A-G. GRCh37 (hg19) VCF-style: chr15-43322256-A-G.
Identifiers: ClinVar variation 728174 (VCV000728174.10), dbSNP rs139564942, ClinGen allele CA7518502.